The following is an entry in ClinVar:

ClinVar aggregate classification (germline): Benign/Likely benign. Review status: criteria provided, multiple submitters, no conflicts (2 of 4 stars). 4 submissions from 4 submitters: Benign (1); Likely benign (3). Last evaluated 2025-10-03.

Conditions:
Hereditary cancer-predisposing syndrome. Also called: Neoplastic Syndromes, Hereditary; Hereditary neoplastic syndrome; Hereditary Cancer Syndrome; Tumor predisposition. Identifiers: Orphanet 140162, MedGen C0027672, MeSH D009386, MONDO:0015356.
Oligodontia-cancer predisposition syndrome. Also called: TOOTH AGENESIS-COLORECTAL CANCER SYNDROME. Identifiers: Orphanet 300576, MedGen C1837750, MONDO:0012075, OMIM 608615. Disease mechanism: loss of function.

Allele frequency attached by ClinVar (database versions not stated): gnomAD exomes below 0.00001.
gnomAD v4.1: 3 of 1,562,004 alleles (0.00019%); highest among the groups gnomAD compares: Non-Finnish European, 0.00026%; no homozygotes.

Submissions (4):

Labcorp Genetics (formerly Invitae), Labcorp
Classification: Likely benign for Oligodontia-cancer predisposition syndrome. Last evaluated: 2025-10-03. Review status: criteria provided, single submitter. Criteria: Invitae Variant Classification Sherloc (09022015). Collection method: clinical testing. Allele origin: germline.

CeGaT Center for Human Genetics Tuebingen
Classification: Likely benign. Last evaluated: 2025-07-01. Review status: criteria provided, single submitter. Criteria: CeGaT Center For Human Genetics Tuebingen Variant Classification Criteria Version 2. Collection method: clinical testing. Allele origin: germline. Affected: yes. Observed: 1 variant allele.
Comment: AXIN2: BP4, BP7

Myriad Genetics, Inc.
Classification: Benign for Oligodontia-cancer predisposition syndrome. Last evaluated: 2024-07-02. Review status: criteria provided, single submitter. Criteria: Myriad Autosomal Dominant, Autosomal Recessive and X-Linked Classification Criteria (2023). Collection method: clinical testing. Allele origin: unknown.
Comment: This variant is considered benign. This variant is a silent/synonymous amino acid change and it is not expected to impact splicing.

Ambry Genetics
Classification: Likely benign for Hereditary cancer-predisposing syndrome. Last evaluated: 2023-05-28. Review status: criteria provided, single submitter. Criteria: Ambry Variant Classification Scheme 2023. Collection method: clinical testing. Allele origin: germline.

NM_004655.4(AXIN2):c.1311G>A (p.Thr437=)

Gene: AXIN2 (axin 2; minus strand). Cytogenetic location: 17q24.1.
Variant type: single nucleotide variant.
Coding change: c.1311G>A on transcript NM_004655.4 (MANE Select); coding-DNA position 1311, G replaced by A.
Protein change: p.Thr437=; no amino-acid change (threonine 437 retained).
Molecular consequence: synonymous variant.
Genome position (GRCh38, 1-based): chr17:65,537,725, C>T on the plus strand (G>A on the coding strand, the complement: AXIN2 is on the minus strand). VCF-style: chr17-65537725-C-T. GRCh37 (hg19) VCF-style: chr17-63533843-C-T.
Other names: c.1311G>A, p.Thr437= (NM_001363813.1).
Identifiers: ClinVar variation 1957955 (VCV001957955.16), dbSNP rs1555578002, ClinGen allele CA501691282.